The following is an entry in ClinVar:

NM_182961.4(SYNE1):c.22035T>G (p.Thr7345=)

Gene: SYNE1 (spectrin repeat containing nuclear envelope protein 1; minus strand). Cytogenetic location: 6q25.2.
Variant type: single nucleotide variant.
Coding change: c.22035T>G on transcript NM_182961.4 (MANE Select); coding-DNA position 22035, T replaced by G.
Protein change: p.Thr7345=; no amino-acid change (threonine 7345 retained).
Molecular consequence: synonymous variant.
Genome position (GRCh38, 1-based): chr6:152,219,012, A>C on the plus strand (T>G on the coding strand, the complement: SYNE1 is on the minus strand). VCF-style: chr6-152219012-A-C. GRCh37 (hg19) VCF-style: chr6-152540147-A-C.
Other names: c.21822T>G, p.Thr7274= (NM_033071.5).
Identifiers: ClinVar variation 501560 (VCV000501560.39), dbSNP rs750669148, ClinGen allele CA4053995.

ClinVar aggregate classification (germline): Conflicting classifications of pathogenicity. Review status: criteria provided, conflicting classifications (1 of 4 stars). 4 submissions from 4 submitters: Uncertain significance (1); Likely benign (3). Last evaluated 2025-11-18.

Conditions:
Autosomal recessive ataxia, Beauce type. Also called: SYNE1 Deficiency; Spinocerebellar ataxia, autosomal recessive 8; SYNE1-Related Autosomal Recessive Cerebellar Ataxia; ATAXIA, RECESSIVE, OF BEAUCE. Identifiers: Orphanet 88644, MedGen C1853116, MONDO:0012549, OMIM 610743.
Emery-Dreifuss muscular dystrophy 4, autosomal dominant (EDMD4). Also called: EMERY-DREIFUSS MUSCULAR DYSTROPHY 4 WITH VARIABLE FEATURES. Identifiers: Orphanet 261, MedGen C2751807, MONDO:0013071, OMIM 612998.

Allele frequency attached by ClinVar (database versions not stated): gnomAD 0.00003; TOPMed 0.00006.
gnomAD v4.1: 83 of 1,613,866 alleles (0.0051%); highest among the groups gnomAD compares: Non-Finnish European, 0.0067%; no homozygotes.

Submissions (4):

Labcorp Genetics (formerly Invitae), Labcorp
Classification: Likely benign for Emery-Dreifuss muscular dystrophy 4, autosomal dominant; Autosomal recessive ataxia, Beauce type. Last evaluated: 2025-11-18. Review status: criteria provided, single submitter. Criteria: Invitae Variant Classification Sherloc (09022015). Collection method: clinical testing. Allele origin: germline.

CeGaT Center for Human Genetics Tuebingen
Classification: Likely benign. Last evaluated: 2022-08-01. Review status: criteria provided, single submitter. Criteria: CeGaT Center For Human Genetics Tuebingen Variant Classification Criteria Version 2. Collection method: clinical testing. Allele origin: germline. Affected: yes. Observed: 1 variant allele.
Comment: SYNE1: BP4, BP7

Athena Diagnostics
Classification: Likely benign. Last evaluated: 2020-02-27. Review status: criteria provided, single submitter. Criteria: Athena Diagnostics Criteria. Collection method: clinical testing. Allele origin: unknown.

Eurofins Ntd Llc (ga)
Classification: Uncertain significance. Last evaluated: 2017-04-26. Review status: criteria provided, single submitter. Criteria: EGL Classification Definitions 2015. Collection method: clinical testing. Allele origin: germline. Observed: 1 variant allele, 1 heterozygote.